The following is an entry in ClinVar:

NM_017617.5(NOTCH1):c.4411G>T (p.Ala1471Ser)

Gene: NOTCH1 (notch receptor 1; minus strand). Cytogenetic location: 9q34.3.
Variant type: single nucleotide variant.
Coding change: c.4411G>T on transcript NM_017617.5 (MANE Select); coding-DNA position 4411, G replaced by T.
Protein change: p.Ala1471Ser; replaces alanine 1471 with serine.
Molecular consequence: missense variant.
Genome position (GRCh38, 1-based): chr9:136,505,485, C>A on the plus strand (G>T on the coding strand, the complement: NOTCH1 is on the minus strand). VCF-style: chr9-136505485-C-A. GRCh37 (hg19) VCF-style: chr9-139399937-C-A.
Other names: short protein forms A1471S.
Identifiers: ClinVar variation 2415245 (VCV002415245.7), dbSNP rs1414066424, ClinGen allele CA375647759.

ClinVar aggregate classification (germline): Uncertain significance. Review status: criteria provided, multiple submitters, no conflicts (2 of 4 stars). 2 submissions from 2 submitters: Uncertain significance (2). Last evaluated 2025-07-15.

Conditions:
Adams-Oliver syndrome 5 (AOS5). Identifiers: Orphanet 974, MedGen C4014970, MONDO:0014459, OMIM 616028.

Allele frequency attached by ClinVar (database versions not stated): gnomAD 0.00001; TOPMed 0.00001.
gnomAD v4.1: 5 of 1,612,724 alleles (0.00031%); highest among the groups gnomAD compares: Non-Finnish European, 0.00042%; no homozygotes.

Submissions (2):

Labcorp Genetics (formerly Invitae), Labcorp
Classification: Uncertain significance for Adams-Oliver syndrome 5. Last evaluated: 2025-07-15. Review status: criteria provided, single submitter. Criteria: Invitae Variant Classification Sherloc (09022015). Collection method: clinical testing. Allele origin: germline.
Comment: This sequence change replaces alanine, which is neutral and non-polar, with serine, which is neutral and polar, at codon 1471 of the NOTCH1 protein (p.Ala1471Ser). This variant is not present in population databases (gnomAD no frequency). This variant has not been reported in the literature in individuals affected with NOTCH1-related conditions. ClinVar contains an entry for this variant (Variation ID: 2415245). Invitae Evidence Modeling of protein sequence and biophysical properties (such as structural, functional, and spatial information, amino acid conservation, physicochemical variation, residue mobility, and thermodynamic stability) indicates that this missense variant is not expected to disrupt NOTCH1 protein function with a negative predictive value of 80%. In summary, the available evidence is currently insufficient to determine the role of this variant in disease. Therefore, it has been classified as a Variant of Uncertain Significance.

Blueprint Genetics
Classification: Uncertain significance. Last evaluated: 2024-01-10. Review status: criteria provided, single submitter. Criteria: ACMG Guidelines, 2015. Collection method: clinical testing. Allele origin: germline.